The following is an entry in ClinVar:

NM_022835.3(PLEKHG2):c.1383del (p.Arg463fs)

Gene: PLEKHG2 (pleckstrin homology and RhoGEF domain containing G2; plus strand). Cytogenetic location: 19q13.2.
Variant type: Deletion.
Coding change: c.1383del on transcript NM_022835.3 (MANE Select); coding-DNA position 1383, one base deleted (T; older notation c.1383delT).
Protein change: p.Arg463fs; shifts the reading frame from arginine 463.
Molecular consequence: frameshift variant.
Genome position (GRCh38, 1-based): chr19:39,420,836, T deleted. VCF-style (leftmost placement, unchanged base first): chr19-39420835-CT-C. GRCh37 (hg19) VCF-style: chr19-39911475-CT-C.
Other names: c.1206del, p.Arg404fs (NM_001351693.2); c.1383del, p.Arg463fs (NM_001351694.2); c.1383delT (NM_022835.3); short protein forms R404fs, R463fs.
Identifiers: ClinVar variation 4845727 (VCV004845727.1).

ClinVar aggregate classification (germline): Likely pathogenic (1 of 4 stars; one submission).

Conditions:
Leukodystrophy and acquired microcephaly with or without dystonia;. Also called: Leukodystrophy and acquired microcephaly with or without dystonia. Identifiers: MedGen C4225213, MONDO:0014766, OMIM 616763.

Submission:

First Genomix Gene Laboratory, Genetic Diagnostics Department
Classification: Likely pathogenic for Leukodystrophy and acquired microcephaly with or without dystonia;. Last evaluated: 2025-01-21. Review status: criteria provided, single submitter. Criteria: ACMG Guidelines, 2015. Collection method: clinical testing. Allele origin: germline. Inheritance: Autosomal recessive inheritance. Affected: no. Observed: 1 variant allele.